The following is an entry in ClinVar:

NM_025144.4(ALPK1):c.1079G>A (p.Gly360Asp)

Gene: ALPK1 (alpha kinase 1; plus strand). Cytogenetic location: 4q25.
Variant type: single nucleotide variant.
Coding change: c.1079G>A on transcript NM_025144.4 (MANE Select); coding-DNA position 1079, G replaced by A.
Protein change: p.Gly360Asp; replaces glycine 360 with aspartic acid.
Molecular consequence: missense variant.
Genome position (GRCh38, 1-based): chr4:112,430,626, G>A. VCF-style: chr4-112430626-G-A. GRCh37 (hg19) VCF-style: chr4-113351782-G-A.
Other names: c.845G>A, p.Gly282Asp (NM_001253884.2); c.1079G>A, p.Gly360Asp (NM_001102406.2); short protein forms G282D, G360D.
Identifiers: ClinVar variation 2703341 (VCV002703341.3), dbSNP rs1734495065, ClinGen allele CA357893466.

ClinVar aggregate classification (germline): Uncertain significance (1 of 4 stars; one submission).

Submission:

Labcorp Genetics (formerly Invitae), Labcorp
Classification: Uncertain significance. Last evaluated: 2024-01-03. Review status: criteria provided, single submitter. Criteria: Invitae Variant Classification Sherloc (09022015). Collection method: clinical testing. Allele origin: germline.
Comment: This sequence change replaces glycine, which is neutral and non-polar, with aspartic acid, which is acidic and polar, at codon 360 of the ALPK1 protein (p.Gly360Asp). This variant is not present in population databases (gnomAD no frequency). This variant has not been reported in the literature in individuals affected with ALPK1-related conditions. Advanced modeling of protein sequence and biophysical properties (such as structural, functional, and spatial information, amino acid conservation, physicochemical variation, residue mobility, and thermodynamic stability) performed at Invitae indicates that this missense variant is expected to disrupt ALPK1 protein function with a positive predictive value of 80%. In summary, the available evidence is currently insufficient to determine the role of this variant in disease. Therefore, it has been classified as a Variant of Uncertain Significance.